The following is an entry in ClinVar:

ClinVar aggregate classification (germline): Uncertain significance (1 of 4 stars; one submission).

Submission:

Labcorp Genetics (formerly Invitae), Labcorp
Classification: Uncertain significance. Last evaluated: 2022-05-03. Review status: criteria provided, single submitter. Criteria: Invitae Variant Classification Sherloc (09022015). Collection method: clinical testing. Allele origin: germline.
Comment: In summary, the available evidence is currently insufficient to determine the role of this variant in disease. Therefore, it has been classified as a Variant of Uncertain Significance. Algorithms developed to predict the effect of missense changes on protein structure and function are either unavailable or do not agree on the potential impact of this missense change (SIFT: "Deleterious"; PolyPhen-2: "Probably Damaging"; Align-GVGD: "Class C15"). This variant has not been reported in the literature in individuals affected with ITGB3-related conditions. This variant is not present in population databases (gnomAD no frequency). This sequence change replaces phenylalanine, which is neutral and non-polar, with leucine, which is neutral and non-polar, at codon 780 of the ITGB3 protein (p.Phe780Leu).

NM_000212.3(ITGB3):c.2340C>A (p.Phe780Leu)

Genes: EFCAB13-DT (EFCAB13 divergent transcript; minus strand), ITGB3 (integrin subunit beta 3; plus strand). Cytogenetic location: 17q21.32.
Variant type: single nucleotide variant.
Coding change: c.2340C>A on transcript NM_000212.3 (MANE Select); coding-DNA position 2340, C replaced by A.
Protein change: p.Phe780Leu; replaces phenylalanine 780 with leucine.
Molecular consequence: missense variant.
Genome position (GRCh38, 1-based): chr17:47,310,177, C>A. VCF-style: chr17-47310177-C-A. GRCh37 (hg19) VCF-style: chr17-45387543-C-A.
Other names: short protein forms F780L.
Identifiers: ClinVar variation 1931626 (VCV001931626.5), dbSNP rs2547624774, ClinGen allele CA400034793.